The following is an entry in ClinVar:

NM_174936.4(PCSK9):c.274G>C (p.Glu92Gln)

Gene: PCSK9 (proprotein convertase subtilisin/kexin type 9; plus strand). Cytogenetic location: 1p32.3.
Variant type: single nucleotide variant.
Coding change: c.274G>C on transcript NM_174936.4 (MANE Select); coding-DNA position 274, G replaced by C.
Protein change: p.Glu92Gln; replaces glutamic acid 92 with glutamine.
Molecular consequence: missense variant. On other transcripts: 5 prime UTR variant (1), non-coding transcript variant (6), intron variant (1).
Genome position (GRCh38, 1-based): chr1:55,043,909, G>C. VCF-style: chr1-55043909-G-C. GRCh37 (hg19) VCF-style: chr1-55509582-G-C.
Other names: c.-102G>C (NM_001407246.1); c.274G>C, p.Glu92Gln (NM_001407247.1, NM_001407241.1, NM_001407242.1 and 2 more transcripts); c.208-2614G>C (NM_001407245.1); c.397G>C, p.Glu133Gln (NM_001407240.1); short protein forms E133Q, E92Q.
Identifiers: ClinVar variation 3073098 (VCV003073098.1), dbSNP rs766880067, ClinGen allele CA041111.

ClinVar aggregate classification (germline): Uncertain significance (1 of 4 stars; one submission).

Conditions:
Hypercholesterolemia, autosomal dominant, 3 (FHCL3). Also called: Familial Hypercholesterolemia, Autosomal Dominant, 3; PCSK9-Related Familial Hypercholesterolemia, Autosomal Dominant; Familial hypercholesterolemia 3. Identifiers: MedGen C1863551, MONDO:0011369, OMIM 603776.

Allele frequency attached by ClinVar (database versions not stated): gnomAD 0.00001; gnomAD exomes 0.00001; TOPMed 0.00001; ExAC 0.00002.

Submission:

All of Us Research Program, National Institutes of Health
Classification: Uncertain significance for Hypercholesterolemia, autosomal dominant, 3. Last evaluated: 2023-08-23. Review status: criteria provided, single submitter. Criteria: ACMG Guidelines, 2015. Collection method: clinical testing. Allele origin: germline. Inheritance: Autosomal dominant inheritance. Observed: 1 variant allele, 1 heterozygote.
Comment: This missense variant replaces glutamic acid with glutamine at codon 92 of the PCSK9 protein. Computational prediction suggests that this variant may not impact protein structure and function (internally defined REVEL score threshold <= 0.5, PMID: 27666373). To our knowledge, functional studies have not been reported for this variant. This variant has not been reported in individuals affected with PCSK9-related disorders in the literature. This variant has been identified in 2/251246 chromosomes in the general population by the Genome Aggregation Database (gnomAD). The available evidence is insufficient to determine the role of this variant in disease conclusively. Therefore, this variant is classified as a Variant of Uncertain Significance.

This study involves interpretation of variants in research participants for the purpose of population health screening. Participant phenotype was not available at the time of variant classification. Additional details can be found in publication PMID: 35346344, PMCID: PMC8962531